The following is an entry in ClinVar:

ClinVar aggregate classification (germline): Uncertain significance (1 of 4 stars; one submission).

Conditions:
MHC class II deficiency. Also called: BLS, TYPE II; Bare lymphocyte syndrome 2. Identifiers: Orphanet 572, MedGen C5447452, MONDO:0008855.

Allele frequency attached by ClinVar (database versions not stated): ExAC 0.00001; gnomAD exomes 0.00001; TOPMed 0.00001; 1000 Genomes Project 0.00020; 1000 Genomes Project 30x 0.00031.
gnomAD v4.1: 7 of 1,614,208 alleles (0.00043%); highest among the groups gnomAD compares: Admixed American, 0.0083%; no homozygotes.

Submission:

Labcorp Genetics (formerly Invitae), Labcorp
Classification: Uncertain significance for MHC class II deficiency. Last evaluated: 2025-06-23. Review status: criteria provided, single submitter. Criteria: Invitae Variant Classification Sherloc (09022015). Collection method: clinical testing. Allele origin: germline.
Comment: This sequence change replaces cysteine, which is neutral and slightly polar, with serine, which is neutral and polar, at codon 126 of the RFX5 protein (p.Cys126Ser). This variant is present in population databases (rs199838456, gnomAD 0.003%). This variant has not been reported in the literature in individuals affected with RFX5-related conditions. ClinVar contains an entry for this variant (Variation ID: 1015928). An algorithm developed to predict the effect of missense changes on protein structure and function (PolyPhen-2) suggests that this variant is likely to be disruptive. In summary, the available evidence is currently insufficient to determine the role of this variant in disease. Therefore, it has been classified as a Variant of Uncertain Significance.

NM_001025603.2(RFX5):c.377G>C (p.Cys126Ser)

Gene: RFX5 (regulatory factor X5; minus strand). Cytogenetic location: 1q21.3.
Variant type: single nucleotide variant.
Coding change: c.377G>C on transcript NM_001025603.2 (MANE Select); coding-DNA position 377, G replaced by C.
Protein change: p.Cys126Ser; replaces cysteine 126 with serine.
Molecular consequence: missense variant.
Genome position (GRCh38, 1-based): chr1:151,344,513, C>G on the plus strand (G>C on the coding strand, the complement: RFX5 is on the minus strand). VCF-style: chr1-151344513-C-G. GRCh37 (hg19) VCF-style: chr1-151316989-C-G.
Other names: c.377G>C, p.Cys126Ser (NM_000449.4, NM_001379412.1, NM_001379413.1 and 5 more transcripts); c.257G>C, p.Cys86Ser (NM_001379419.1, NM_001379420.1); short protein forms C126S, C86S.
Identifiers: ClinVar variation 1015928 (VCV001015928.9), dbSNP rs199838456, ClinGen allele CA1089846.
Genomic context (GRCh38, chr1:151,344,513, plus strand): 5'-ATGTCAGGGAAGATCTCTCTGATGATCTTGCCAAAGTTGGCTGTGCTGAGTGGGCGGCAA[C>G]AGGCAAGACTCTCACAGTACTTCCTGAGTGAGAGGGGAGCAGAGTGGGAAGATACTCAGA-3'
Protein context (NP_001020774.1, residues 116-136): AYRKYCESLA[Cys126Ser]CRPLSTANFG